The following is an entry in ClinVar:

ClinVar aggregate classification (germline): Likely benign (1 of 4 stars; one submission).

Allele frequency attached by ClinVar (database versions not stated): gnomAD exomes 0.00008; ExAC 0.00022; gnomAD 0.00068; 1000 Genomes Project 0.00080; TOPMed 0.00082; ESP Exome Variant Server 0.00085; 1000 Genomes Project 30x 0.00094.
gnomAD v4.1: 233 of 1,613,822 alleles (0.014%); highest among the groups gnomAD compares: African/African-American, 0.23%; no homozygotes.

Submission:

CeGaT Center for Human Genetics Tuebingen
Classification: Likely benign. Last evaluated: 2022-09-01. Review status: criteria provided, single submitter. Criteria: CeGaT Center For Human Genetics Tuebingen Variant Classification Criteria Version 2. Collection method: clinical testing. Allele origin: germline. Affected: yes. Observed: 1 variant allele.
Comment: HEATR1: BP4, BP7

NM_018072.6(HEATR1):c.3237G>A (p.Pro1079=)

Gene: HEATR1 (HEAT repeat containing 1; minus strand). Cytogenetic location: 1q43.
Variant type: single nucleotide variant.
Coding change: c.3237G>A on transcript NM_018072.6 (MANE Select); coding-DNA position 3237, G replaced by A.
Protein change: p.Pro1079=; no amino-acid change (proline 1079 retained).
Molecular consequence: synonymous variant.
Genome position (GRCh38, 1-based): chr1:236,574,751, C>T on the plus strand (G>A on the coding strand, the complement: HEATR1 is on the minus strand). VCF-style: chr1-236574751-C-T. GRCh37 (hg19) VCF-style: chr1-236738051-C-T.
Identifiers: ClinVar variation 2640106 (VCV002640106.24), dbSNP rs142628625, ClinGen allele CA1471708.